The following is an entry in ClinVar:

ClinVar aggregate classification (germline): Uncertain significance (1 of 4 stars; one submission).

Submission:

Labcorp Genetics (formerly Invitae), Labcorp
Classification: Uncertain significance. Last evaluated: 2023-04-15. Review status: criteria provided, single submitter. Criteria: Invitae Variant Classification Sherloc (09022015). Collection method: clinical testing. Allele origin: germline.
Comment: In summary, the available evidence is currently insufficient to determine the role of this variant in disease. Therefore, it has been classified as a Variant of Uncertain Significance. Algorithms developed to predict the effect of sequence changes on RNA splicing suggest that this variant may disrupt the consensus splice site. Advanced modeling of protein sequence and biophysical properties (such as structural, functional, and spatial information, amino acid conservation, physicochemical variation, residue mobility, and thermodynamic stability) performed at Invitae indicates that this missense variant is not expected to disrupt DRP2 protein function. This variant has not been reported in the literature in individuals affected with DRP2-related conditions. This variant is not present in population databases (gnomAD no frequency). This sequence change replaces aspartic acid, which is acidic and polar, with valine, which is neutral and non-polar, at codon 18 of the DRP2 protein (p.Asp18Val).

NM_001939.3(DRP2):c.53A>T (p.Asp18Val)

Gene: DRP2 (dystrophin related protein 2; plus strand). Cytogenetic location: Xq22.1.
Variant type: single nucleotide variant.
Coding change: c.53A>T on transcript NM_001939.3 (MANE Select); coding-DNA position 53, A replaced by T.
Protein change: p.Asp18Val; replaces aspartic acid 18 with valine.
Molecular consequence: missense variant. On other transcripts: intron variant (1).
Genome position (GRCh38, 1-based): chrX:101,231,700, A>T. VCF-style: chrX-101231700-A-T. GRCh37 (hg19) VCF-style: chrX-100486689-A-T.
Other names: c.-117-4160A>T (NM_001171184.2); short protein forms D18V.
Identifiers: ClinVar variation 2856565 (VCV002856565.3), dbSNP rs2523052046, ClinGen allele CA413908817.
Genomic context (GRCh38, chrX:101,231,700, plus strand): 5'-TGGTTTTTATGCAACCTATGGTCATGCAGGGATGCCCTTACACCCTCCCACGATGTCATG[A>T]CTGGCAGGCAGCTGACCAGTTCCATCATAGCAGCAGCCTCCGAAGCACCTGCCCCCACCC-3'
Protein context (NP_001930.2, residues 8-28): GCPYTLPRCH[Asp18Val]WQAADQFHHS